The following is an entry in ClinVar:

NM_000100.4(CSTB):c.193G>C (p.Val65Leu)

Gene: CSTB (cystatin B; minus strand). Cytogenetic location: 21q22.3.
Variant type: single nucleotide variant.
Coding change: c.193G>C on transcript NM_000100.4 (MANE Select); coding-DNA position 193, G replaced by C.
Protein change: p.Val65Leu; replaces valine 65 with leucine.
Molecular consequence: missense variant.
Genome position (GRCh38, 1-based): chr21:43,774,306, C>G on the plus strand (G>C on the coding strand, the complement: CSTB is on the minus strand). VCF-style: chr21-43774306-C-G. GRCh37 (hg19) VCF-style: chr21-45194187-C-G.
Other names: c.193G>C (NM_000100.2); short protein forms V65L.
Identifiers: ClinVar variation 855755 (VCV000855755.6), dbSNP rs570768038, ClinGen allele CA410407981.
Genomic context (GRCh38, chr21:43,774,306, plus strand): 5'-AGTTAGATAAGGTCAAGGGCTTGTTTTCATGAGGGAGAGATTGGAACACTCGCAGGTGTA[C>G]GAAGTCCTCGTCGCCGACGTGCACCTGGGAAGAGAGCGGAGTGAGCGAAGCCTCTGATCC-3'
Protein context (NP_000091.1, residues 55-75): IKVHVGDEDF[Val65Leu]HLRVFQSLPH

ClinVar aggregate classification (germline): Uncertain significance. Review status: criteria provided, multiple submitters, no conflicts (2 of 4 stars). 2 submissions from 2 submitters: Uncertain significance (2). Last evaluated 2023-11-14.

Conditions:
Progressive myoclonic epilepsy. Also called: Familial progressive myoclonic epilepsy; Myoclonic Epilepsies, Progressive; Myoclonus epilepsy; Progressive myoclonus epilepsy. Identifiers: Orphanet 308, Orphanet 98261, MedGen C0751778, MONDO:0020074.

gnomAD v4.1: 8 of 1,614,052 alleles (0.0005%); highest among the groups gnomAD compares: Admixed American, 0.0083%; no homozygotes.

Submissions (2):

GeneDx
Classification: Uncertain significance. Last evaluated: 2023-11-14. Review status: criteria provided, single submitter. Criteria: GeneDx Variant Classification Process June 2021. Collection method: clinical testing. Allele origin: germline. Affected: yes.
Comment: In silico analysis supports that this missense variant does not alter protein structure/function; Has not been previously published as pathogenic or benign to our knowledge

Labcorp Genetics (formerly Invitae), Labcorp
Classification: Uncertain significance for Progressive myoclonic epilepsy. Last evaluated: 2022-08-02. Review status: criteria provided, single submitter. Criteria: Invitae Variant Classification Sherloc (09022015). Collection method: clinical testing. Allele origin: germline.
Comment: This sequence change replaces valine, which is neutral and non-polar, with leucine, which is neutral and non-polar, at codon 65 of the CSTB protein (p.Val65Leu). This variant is present in population databases (no rsID available, gnomAD 0.009%). This variant has not been reported in the literature in individuals affected with CSTB-related conditions. ClinVar contains an entry for this variant (Variation ID: 855755). Algorithms developed to predict the effect of missense changes on protein structure and function output the following: SIFT: "Tolerated"; PolyPhen-2: "Benign"; Align-GVGD: "Class C0". The leucine amino acid residue is found in multiple mammalian species, which suggests that this missense change does not adversely affect protein function. In summary, the available evidence is currently insufficient to determine the role of this variant in disease. Therefore, it has been classified as a Variant of Uncertain Significance.